The following is an entry in ClinVar:

NM_004006.3(DMD):c.3649C>G (p.Leu1217Val)

Gene: DMD (dystrophin; minus strand). Cytogenetic location: Xp21.1.
Variant type: single nucleotide variant.
Coding change: c.3649C>G on transcript NM_004006.3 (MANE Select); coding-DNA position 3649, C replaced by G.
Protein change: p.Leu1217Val; replaces leucine 1217 with valine.
Molecular consequence: missense variant.
Genome position (GRCh38, 1-based): chrX:32,448,593, G>C on the plus strand (C>G on the coding strand, the complement: DMD is on the minus strand). VCF-style: chrX-32448593-G-C. GRCh37 (hg19) VCF-style: chrX-32466710-G-C.
Other names: c.3625C>G, p.Leu1209Val (NM_000109.4); c.3637C>G, p.Leu1213Val (NM_004009.3); c.3280C>G, p.Leu1094Val (NM_004010.3); short protein forms L1217V, L1209V, L1094V, L1213V.
Identifiers: ClinVar variation 284287 (VCV000284287.11), dbSNP rs886042839, ClinGen allele CA10604750.
Genomic context (GRCh38, chrX:32,448,593, plus strand): 5'-TTAAGGCCTCTTGTGCTACAGGTGGAGCTTGAGCTATGACACTATTTACAGACTCAGTAA[G>C]GAGTTTCACTTTCGCTTCTTTTTGTTGGGCCTCTTCTTTAGCTCTCTGAAAAATAAAGAA-3'
Protein context (NP_003997.2, residues 1207-1227): AQQKEAKVKL[Leu1217Val]TESVNSVIAQ

ClinVar aggregate classification (germline): Conflicting classifications of pathogenicity. Review status: criteria provided, conflicting classifications (1 of 4 stars). 4 submissions from 4 submitters: Uncertain significance (3); Likely benign (1). Last evaluated 2025-10-29.

Conditions:
Duchenne muscular dystrophy (DMD). Also called: Duchenne Muscular Dystrophy (DMD); MUSCULAR DYSTROPHY, PSEUDOHYPERTROPHIC PROGRESSIVE, DUCHENNE TYPE. Identifiers: Orphanet 98896, MedGen C0013264, MONDO:0010679, OMIM 310200.

Submissions (4):

Labcorp Genetics (formerly Invitae), Labcorp
Classification: Uncertain significance for Duchenne muscular dystrophy. Last evaluated: 2025-10-29. Review status: criteria provided, single submitter. Criteria: Invitae Variant Classification Sherloc (09022015). Collection method: clinical testing. Allele origin: germline.
Comment: This sequence change replaces leucine, which is neutral and non-polar, with valine, which is neutral and non-polar, at codon 1217 of the DMD protein (p.Leu1217Val). This variant is not present in population databases (gnomAD no frequency). This variant has not been reported in the literature in individuals affected with DMD-related conditions. ClinVar contains an entry for this variant (Variation ID: 284287). Invitae Evidence Modeling of protein sequence and biophysical properties (such as structural, functional, and spatial information, amino acid conservation, physicochemical variation, residue mobility, and thermodynamic stability) indicates that this missense variant is not expected to disrupt DMD protein function with a negative predictive value of 95%. In summary, the available evidence is currently insufficient to determine the role of this variant in disease. Therefore, it has been classified as a Variant of Uncertain Significance.

Revvity Omics, Revvity
Classification: Uncertain significance. Last evaluated: 2023-02-07. Review status: criteria provided, single submitter. Criteria: ACMG Guidelines, 2015. Collection method: clinical testing. Allele origin: germline.

GeneDx
Classification: Likely benign. Last evaluated: 2019-06-03. Review status: criteria provided, single submitter. Criteria: GeneDx Variant Classification Process June 2021. Collection method: clinical testing. Allele origin: germline. Affected: yes.
Comment: Not observed in large population cohorts (Lek et al., 2016); Missense variant in a gene in which most reported pathogenic variants are truncating/loss-of-function; In silico analysis, which includes protein predictors and evolutionary conservation, supports that this variant does not alter protein structure/function; Has not been previously published as pathogenic or benign to our knowledge

Eurofins Ntd Llc (ga)
Classification: Uncertain significance. Last evaluated: 2015-11-24. Review status: criteria provided, single submitter. Criteria: EGL Classification Definitions 2015. Collection method: clinical testing. Allele origin: germline. Observed: 2 variant alleles, 1 heterozygote, 1 hemizygote.